The following is an entry in ClinVar:

NM_032656.4(DHX37):c.628G>A (p.Val210Met)

Gene: DHX37 (DEAH-box helicase 37; minus strand). Cytogenetic location: 12q24.31.
Variant type: single nucleotide variant.
Coding change: c.628G>A on transcript NM_032656.4 (MANE Select); coding-DNA position 628, G replaced by A.
Protein change: p.Val210Met; replaces valine 210 with methionine.
Molecular consequence: missense variant.
Genome position (GRCh38, 1-based): chr12:124,980,600, C>T on the plus strand (G>A on the coding strand, the complement: DHX37 is on the minus strand). VCF-style: chr12-124980600-C-T. GRCh37 (hg19) VCF-style: chr12-125465146-C-T.
Other names: short protein forms V210M.
Identifiers: ClinVar variation 2455259 (VCV002455259.6), dbSNP rs201247300, ClinGen allele CA6872398.

ClinVar aggregate classification (germline): Uncertain significance. Review status: criteria provided, multiple submitters, no conflicts (2 of 4 stars). 2 submissions from 2 submitters: Uncertain significance (2). Last evaluated 2025-06-06.

Conditions:
Inborn genetic diseases. Identifiers: MedGen C0950123, MeSH D030342.

Allele frequency attached by ClinVar (database versions not stated): gnomAD 0.00030; TOPMed 0.00030; ESP Exome Variant Server 0.00031; ExAC 0.00043; gnomAD exomes 0.00070.
gnomAD v4.1: 1,039 of 1,610,408 alleles (0.065%); highest among the groups gnomAD compares: Non-Finnish European, 0.085%; 1 homozygote.

Submissions (2):

Ambry Genetics
Classification: Uncertain significance for Inborn genetic diseases. Last evaluated: 2025-06-06. Review status: criteria provided, single submitter. Criteria: Ambry Variant Classification Scheme 2023. Collection method: clinical testing. Allele origin: germline.

Labcorp Genetics (formerly Invitae), Labcorp
Classification: Uncertain significance. Last evaluated: 2022-12-06. Review status: criteria provided, single submitter. Criteria: Invitae Variant Classification Sherloc (09022015). Collection method: clinical testing. Allele origin: germline.
Comment: In summary, the available evidence is currently insufficient to determine the role of this variant in disease. Therefore, it has been classified as a Variant of Uncertain Significance. Algorithms developed to predict the effect of missense changes on protein structure and function output the following: SIFT: "Tolerated"; PolyPhen-2: "Benign"; Align-GVGD: "Class C0". The methionine amino acid residue is found in multiple mammalian species, which suggests that this missense change does not adversely affect protein function. This variant has not been reported in the literature in individuals affected with DHX37-related conditions. This variant is present in population databases (rs201247300, gnomAD 0.07%). This sequence change replaces valine, which is neutral and non-polar, with methionine, which is neutral and non-polar, at codon 210 of the DHX37 protein (p.Val210Met).